The following is an entry in ClinVar:

NM_139276.3(STAT3):c.2114A>G (p.Tyr705Cys)

Gene: STAT3 (signal transducer and activator of transcription 3; minus strand). Cytogenetic location: 17q21.2.
Variant type: single nucleotide variant.
Coding change: c.2114A>G on transcript NM_139276.3 (MANE Select); coding-DNA position 2114, A replaced by G.
Protein change: p.Tyr705Cys; replaces tyrosine 705 with cysteine.
Molecular consequence: missense variant. On other transcripts: intron variant (1).
Genome position (GRCh38, 1-based): chr17:42,317,212, T>C on the plus strand (A>G on the coding strand, the complement: STAT3 is on the minus strand). VCF-style: chr17-42317212-T-C. GRCh37 (hg19) VCF-style: chr17-40469230-T-C.
Other names: c.2114A>G, p.Tyr705Cys (NM_001369512.1, NM_001369513.1, NM_001369517.1 and 3 more transcripts); c.2111A>G, p.Tyr704Cys (NM_001369514.1, NM_001369516.1, NM_001369519.1 and 2 more transcripts); c.2030A>G, p.Tyr677Cys (NM_001384984.1); c.2036A>G, p.Tyr679Cys (NM_001384985.1); c.2126A>G, p.Tyr709Cys (NM_001384986.1); c.2093A>G, p.Tyr698Cys (NM_001384987.1); c.2015A>G, p.Tyr672Cys (NM_001384989.1); c.2129A>G, p.Tyr710Cys (NM_001384990.1); and 3 more; short protein forms Y685C, Y696C, Y709C, Y672C, Y679C, Y698C, Y677C, Y705C.
Identifiers: ClinVar variation 2138011 (VCV002138011.4), dbSNP rs2509118228, ClinGen allele CA399580238.

ClinVar aggregate classification (germline): Likely pathogenic (1 of 4 stars; one submission).

Conditions:
Hyper-IgE recurrent infection syndrome 1, autosomal dominant. Also called: STAT3 Hyper IgE Syndrome; Hyper-IgE recurrent infection syndrome 1; Job's Syndrome; HYPER-IgE SYNDROME 1, AUTOSOMAL DOMINANT, WITH RECURRENT INFECTIONS; JOB SYNDROME. Identifiers: Orphanet 2314, MedGen C2936739, MONDO:0007818, OMIM 147060.
STAT3 gain of function. Identifiers: MedGen C4288261.

Submission:

Labcorp Genetics (formerly Invitae), Labcorp
Classification: Likely pathogenic for STAT3 gain of function; Hyper-IgE recurrent infection syndrome 1, autosomal dominant. Last evaluated: 2025-04-21. Review status: criteria provided, single submitter. Criteria: Invitae Variant Classification Sherloc (09022015). Collection method: clinical testing. Allele origin: germline.
Comment: This sequence change replaces tyrosine, which is neutral and polar, with cysteine, which is neutral and slightly polar, at codon 705 of the STAT3 protein (p.Tyr705Cys). This variant is not present in population databases (gnomAD no frequency). This missense change has been observed in individuals with Hyper-IgE syndrome (PMID: 19577286, 31596517). ClinVar contains an entry for this variant (Variation ID: 2138011). Invitae Evidence Modeling of protein sequence and biophysical properties (such as structural, functional, and spatial information, amino acid conservation, physicochemical variation, residue mobility, and thermodynamic stability) indicates that this missense variant is expected to disrupt STAT3 protein function with a positive predictive value of 80%. In summary, the currently available evidence indicates that the variant is pathogenic, but additional data are needed to prove that conclusively. Therefore, this variant has been classified as Likely Pathogenic.

Literature cited by the submitters: PubMed 19577286; PubMed 31596517.